The following is an entry in ClinVar:

ClinVar aggregate classification (germline): Uncertain significance (1 of 4 stars; one submission).

Conditions:
Inborn genetic diseases. Identifiers: MedGen C0950123, MeSH D030342.

Submission:

Ambry Genetics
Classification: Uncertain significance for Inborn genetic diseases. Last evaluated: 2025-04-13. Review status: criteria provided, single submitter. Criteria: Ambry Variant Classification Scheme 2023. Collection method: clinical testing. Allele origin: germline.
Comment: The p.K338I variant (also known as c.1013A>T), located in coding exon 1 of the SAMD9 gene, results from an A to T substitution at nucleotide position 1013. The lysine at codon 338 is replaced by isoleucine, an amino acid with dissimilar properties. This amino acid position is conserved. In addition, this alteration is predicted to be tolerated by in silico analysis. Based on the available evidence, the clinical significance of this variant remains unclear.

NM_017654.4(SAMD9):c.1013A>T (p.Lys338Ile)

Gene: SAMD9 (sterile alpha motif domain containing 9; minus strand). Cytogenetic location: 7q21.2.
Variant type: single nucleotide variant.
Coding change: c.1013A>T on transcript NM_017654.4 (MANE Select); coding-DNA position 1013, A replaced by T.
Protein change: p.Lys338Ile; replaces lysine 338 with isoleucine.
Molecular consequence: missense variant.
Genome position (GRCh38, 1-based): chr7:93,105,085, T>A on the plus strand (A>T on the coding strand, the complement: SAMD9 is on the minus strand). VCF-style: chr7-93105085-T-A. GRCh37 (hg19) VCF-style: chr7-92734398-T-A.
Other names: c.1013A>T, p.Lys338Ile (NM_001193307.2); short protein forms K338I.
Identifiers: ClinVar variation 3949546 (VCV003949546.1).